The following is an entry in ClinVar:

ClinVar aggregate classification (germline): Uncertain significance. Review status: criteria provided, multiple submitters, no conflicts (2 of 4 stars). 3 submissions from 3 submitters: Uncertain significance (3). Last evaluated 2025-08-20.

Conditions:
Autoinflammatory syndrome. Identifiers: Orphanet 93665, MedGen C3890737, MONDO:0019751.
Inborn genetic diseases. Identifiers: MedGen C0950123, MeSH D030342.
Familial cold autoinflammatory syndrome 2 (FCAS2). Identifiers: Orphanet 247868, MedGen C2673198, MONDO:0012724, OMIM 611762.

Allele frequency attached by ClinVar (database versions not stated): gnomAD 0.00001; TOPMed 0.00001; gnomAD exomes 0.00003; ExAC 0.00004.
gnomAD v4.1: 75 of 1,614,054 alleles (0.0046%); highest among the groups gnomAD compares: Middle Eastern, 0.016%; no homozygotes.

Submissions (3):

Labcorp Genetics (formerly Invitae), Labcorp
Classification: Uncertain significance for Familial cold autoinflammatory syndrome 2. Last evaluated: 2025-08-20. Review status: criteria provided, single submitter. Criteria: Invitae Variant Classification Sherloc (09022015). Collection method: clinical testing. Allele origin: germline.
Comment: This sequence change replaces leucine, which is neutral and non-polar, with proline, which is neutral and non-polar, at codon 994 of the NLRP12 protein (p.Leu994Pro). This variant is present in population databases (rs769476370, gnomAD 0.006%). This variant has not been reported in the literature in individuals affected with NLRP12-related conditions. ClinVar contains an entry for this variant (Variation ID: 652847). Experimental studies and prediction algorithms are not available or were not evaluated, and the functional significance of this variant is currently unknown. In summary, the available evidence is currently insufficient to determine the role of this variant in disease. Therefore, it has been classified as a Variant of Uncertain Significance.

Ambry Genetics
Classification: Uncertain significance for Inborn genetic diseases. Last evaluated: 2025-01-16. Review status: criteria provided, single submitter. Criteria: Ambry Variant Classification Scheme 2023. Collection method: clinical testing. Allele origin: germline.

Genome Diagnostics Laboratory, The Hospital for Sick Children
Classification: Uncertain significance for Autoinflammatory syndrome. Last evaluated: 2019-12-01. Review status: criteria provided, single submitter. Criteria: ACMG Guidelines, 2015. Collection method: clinical testing. Allele origin: germline. Affected: yes.

NM_144687.4(NLRP12):c.2981T>C (p.Leu994Pro)

Gene: NLRP12 (NLR family pyrin domain containing 12; minus strand). Cytogenetic location: 19q13.42.
Variant type: single nucleotide variant.
Coding change: c.2981T>C on transcript NM_144687.4 (MANE Select); coding-DNA position 2981, T replaced by C.
Protein change: p.Leu994Pro; replaces leucine 994 with proline.
Molecular consequence: missense variant.
Genome position (GRCh38, 1-based): chr19:53,795,976, A>G on the plus strand (T>C on the coding strand, the complement: NLRP12 is on the minus strand). VCF-style: chr19-53795976-A-G. GRCh37 (hg19) VCF-style: chr19-54299230-A-G.
Other names: c.2984T>C, p.Leu995Pro (NM_001277126.2); c.2810T>C, p.Leu937Pro (NM_001277129.1); c.2981T>C (NM_144687.2); short protein forms L995P, L994P, L937P.
Identifiers: ClinVar variation 652847 (VCV000652847.14), dbSNP rs769476370, ClinGen allele CA9638813.